The following is an entry in ClinVar:

NM_003238.6(TGFB2):c.1105A>G (p.Thr369Ala)

Gene: TGFB2 (transforming growth factor beta 2; plus strand). Cytogenetic location: 1q41.
Variant type: single nucleotide variant.
Coding change: c.1105A>G on transcript NM_003238.6 (MANE Select); coding-DNA position 1105, A replaced by G.
Protein change: p.Thr369Ala; replaces threonine 369 with alanine.
Molecular consequence: missense variant. On other transcripts: non-coding transcript variant (2).
Genome position (GRCh38, 1-based): chr1:218,441,222, A>G. VCF-style: chr1-218441222-A-G. GRCh37 (hg19) VCF-style: chr1-218614564-A-G.
Other names: c.1189A>G, p.Thr397Ala (NM_001135599.4); short protein forms T397A, T369A.
Identifiers: ClinVar variation 2962677 (VCV002962677.3), dbSNP rs2464889812, ClinGen allele CA344727794.

ClinVar aggregate classification (germline): Uncertain significance (1 of 4 stars; one submission).

Conditions:
Loeys-Dietz syndrome 4 (LDS4). Also called: ANEURYSM, AORTIC AND CEREBRAL, WITH ARTERIAL TORTUOSITY AND SKELETAL MANIFESTATIONS; TGFB2-Related Loeys-Dietz Syndrome. Identifiers: MedGen C3553762, MONDO:0013897, OMIM 614816.

Submission:

Labcorp Genetics (formerly Invitae), Labcorp
Classification: Uncertain significance for Loeys-Dietz syndrome 4. Last evaluated: 2023-10-05. Review status: criteria provided, single submitter. Criteria: Invitae Variant Classification Sherloc (09022015). Collection method: clinical testing. Allele origin: germline.
Comment: This sequence change replaces threonine, which is neutral and polar, with alanine, which is neutral and non-polar, at codon 369 of the TGFB2 protein (p.Thr369Ala). This variant is not present in population databases (gnomAD no frequency). This variant has not been reported in the literature in individuals affected with TGFB2-related conditions. Advanced modeling of protein sequence and biophysical properties (such as structural, functional, and spatial information, amino acid conservation, physicochemical variation, residue mobility, and thermodynamic stability) performed at Invitae indicates that this missense variant is not expected to disrupt TGFB2 protein function. In summary, the available evidence is currently insufficient to determine the role of this variant in disease. Therefore, it has been classified as a Variant of Uncertain Significance.